The following is an entry in ClinVar:

ClinVar aggregate classification (germline): Pathogenic (1 of 4 stars; one submission).

Conditions:
Inborn genetic diseases. Identifiers: MedGen C0950123, MeSH D030342.

Submission:

Ambry Genetics
Classification: Pathogenic for Inborn genetic diseases. Last evaluated: 2024-09-09. Review status: criteria provided, single submitter. Criteria: Ambry Variant Classification Scheme 2023. Collection method: clinical testing. Allele origin: germline.
Comment: The c.518delA (p.N173Tfs*7) alteration, located in exon 4 (coding exon 4) of the PBX1 gene, consists of a deletion of one nucleotide at position 518, causing a translational frameshift with a predicted alternate stop codon after 7 amino acids. This alteration is expected to result in loss of function by premature protein truncation or nonsense-mediated mRNA decay. This variant was not reported in population-based cohorts in the Genome Aggregation Database (gnomAD). Based on the available evidence, this alteration is classified as pathogenic.

NM_002585.4(PBX1):c.518del (p.Asn173fs)

Gene: PBX1 (PBX homeobox 1; plus strand). Cytogenetic location: 1q23.3.
Variant type: Deletion.
Coding change: c.518del on transcript NM_002585.4 (MANE Select); coding-DNA position 518, one base deleted (A; older notation c.518delA).
Protein change: p.Asn173fs; shifts the reading frame from asparagine 173.
Molecular consequence: frameshift variant.
Genome position (GRCh38, 1-based): chr1:164,799,706, A deleted; the last of 2 consecutive A bases (chr1:164,799,705-164,799,706); deleting either gives the same sequence. VCF-style (leftmost placement, unchanged base first): chr1-164799704-CA-C. GRCh37 (hg19) VCF-style: chr1-164768941-CA-C.
Other names: c.518del, p.Asn173fs (NM_001204961.2, NM_001204963.2, NM_001353131.2); c.269del, p.Asn90fs (NM_001353130.1); short protein forms N90fs, N173fs.
Identifiers: ClinVar variation 3414607 (VCV003414607.1).